The following is an entry in ClinVar:

NM_005188.4(CBL):c.127C>T (p.Leu43Phe)

Genes: CBL (Cbl proto-oncogene; plus strand), LOC130006895 (ATAC-STARR-seq lymphoblastoid silent region 3975; plus strand). Cytogenetic location: 11q23.3.
Variant type: single nucleotide variant.
Coding change: c.127C>T on transcript NM_005188.4 (MANE Select); coding-DNA position 127, C replaced by T.
Protein change: p.Leu43Phe; replaces leucine 43 with phenylalanine.
Molecular consequence: missense variant.
Genome position (GRCh38, 1-based): chr11:119,206,544, C>T. VCF-style: chr11-119206544-C-T. GRCh37 (hg19) VCF-style: chr11-119077254-C-T.
Other names: short protein forms L43F.
Identifiers: ClinVar variation 2170880 (VCV002170880.4), dbSNP rs1358704061, ClinGen allele CA382976304.
Genomic context (GRCh38, chr11:119,206,544, plus strand): 5'-GGTGGCCTGATTGGGCTCATGAAGGACGCCTTCCAGCCGCACCACCACCACCACCACCAC[C>T]TCAGCCCCCACCCGCCGGGGACGGTGGACAAGAAGATGGTGGAGAAGTGCTGGAAGCTCA-3'
Protein context (NP_005179.2, residues 33-53): FQPHHHHHHH[Leu43Phe]SPHPPGTVDK

ClinVar aggregate classification (germline): Uncertain significance (1 of 4 stars; one submission).

Conditions:
RASopathy. Also called: rasopathies; Noonan spectrum disorder. Identifiers: Orphanet 536391, MedGen C5555857, MONDO:0021060.

Allele frequency attached by ClinVar (database versions not stated): gnomAD exomes 0.00001.
gnomAD v4.1: 18 of 1,551,724 alleles (0.0012%); highest among the groups gnomAD compares: Non-Finnish European, 0.0016%; no homozygotes.

Submission:

Labcorp Genetics (formerly Invitae), Labcorp
Classification: Uncertain significance for RASopathy. Last evaluated: 2024-05-29. Review status: criteria provided, single submitter. Criteria: Invitae Variant Classification Sherloc (09022015). Collection method: clinical testing. Allele origin: germline.
Comment: This sequence change replaces leucine, which is neutral and non-polar, with phenylalanine, which is neutral and non-polar, at codon 43 of the CBL protein (p.Leu43Phe). This variant is present in population databases (no rsID available, gnomAD 0.002%). This variant has not been reported in the literature in individuals affected with CBL-related conditions. ClinVar contains an entry for this variant (Variation ID: 2170880). Advanced modeling of protein sequence and biophysical properties (such as structural, functional, and spatial information, amino acid conservation, physicochemical variation, residue mobility, and thermodynamic stability) performed at Invitae indicates that this missense variant is not expected to disrupt CBL protein function with a negative predictive value of 95%. In summary, the available evidence is currently insufficient to determine the role of this variant in disease. Therefore, it has been classified as a Variant of Uncertain Significance.